The following is an entry in ClinVar:

ClinVar aggregate classification (germline): Benign (1 of 4 stars; one submission).

Allele frequency attached by ClinVar (database versions not stated): gnomAD 0.41399 and 0.41691; TOPMed 0.42507; 1000 Genomes Project 0.44269; 1000 Genomes Project 30x 0.45253.
gnomAD v4.1: 62,883 of 152,030 alleles (41%); highest among the groups gnomAD compares: African/African-American, 54%; 13,508 homozygotes.

Submission:

GeneDx
Classification: Benign. Last evaluated: 2018-06-16. Review status: criteria provided, single submitter. Criteria: GeneDx Variant Classification (06012015). Collection method: clinical testing. Allele origin: germline. Affected: yes.
Comment: This variant is considered likely benign or benign based on one or more of the following criteria: it is a conservative change, it occurs at a poorly conserved position in the protein, it is predicted to be benign by multiple in silico algorithms, and/or has population frequency not consistent with disease.

NM_001035.3(RYR2):c.6689-192A>G

Gene: RYR2 (ryanodine receptor 2; plus strand). Cytogenetic location: 1q43.
Variant type: single nucleotide variant.
Coding change: c.6689-192A>G on transcript NM_001035.3 (MANE Select); 192 bases into the intron before coding-DNA position 6689, A replaced by G.
Molecular consequence: intron variant.
Genome position (GRCh38, 1-based): chr1:237,634,697, A>G. VCF-style: chr1-237634697-A-G. GRCh37 (hg19) VCF-style: chr1-237797997-A-G.
Identifiers: ClinVar variation 671775 (VCV000671775.1), dbSNP rs7538471, ClinGen allele CA10994225.